The following is an entry in ClinVar:

ClinVar aggregate classification (germline): Likely benign. Review status: criteria provided, multiple submitters, no conflicts (2 of 4 stars). 2 submissions from 2 submitters: Likely benign (2). Last evaluated 2025-12-05.

Conditions:
DST-related disorder. Also called: DST-related disorders; DST-related condition.
Epidermolysis bullosa simplex 3, localized or generalized intermediate, with BP230 deficiency (EBS3). Also called: Epidermolysis bullosa simplex, autosomal recessive 2; Epidermolysis bullosa simplex due to BP230 deficiency. Identifiers: Orphanet 412181, MedGen C3809470, MONDO:0014180, OMIM 615425.
Hereditary sensory and autonomic neuropathy type 6. Also called: HSAN VI; Neuropathy, hereditary sensory and autonomic, type VI. Identifiers: Orphanet 314381, MedGen C3539003, MONDO:0013839, OMIM 614653.

Allele frequency attached by ClinVar (database versions not stated): TOPMed 0.00003; gnomAD 0.00004.
gnomAD v4.1: 12 of 1,612,986 alleles (0.00074%); highest among the groups gnomAD compares: African/African-American, 0.0067%; no homozygotes.

Submissions (2):

PreventionGenetics, part of Exact Sciences
Classification: Likely benign for DST-related condition. Last evaluated: 2025-12-05. Review status: criteria provided, single submitter. Criteria: ACMG Guidelines, 2015. Collection method: clinical testing. Allele origin: germline.
Comment: This variant is classified as likely benign based on ACMG/AMP sequence variant interpretation guidelines (Richards et al. 2015 PMID: 25741868, with internal and published modifications).

Labcorp Genetics (formerly Invitae), Labcorp
Classification: Likely benign for Epidermolysis bullosa simplex 3, localized or generalized intermediate, with BP230 deficiency; Hereditary sensory and autonomic neuropathy type 6. Last evaluated: 2022-06-10. Review status: criteria provided, single submitter. Criteria: Invitae Variant Classification Sherloc (09022015). Collection method: clinical testing. Allele origin: germline.

NM_001374736.1(DST):c.18219C>T (p.Asp6073=)

Gene: DST (dystonin; minus strand). Cytogenetic location: 6p12.1.
Variant type: single nucleotide variant.
Coding change: c.18219C>T on transcript NM_001374736.1 (MANE Select); coding-DNA position 18219, C replaced by T.
Protein change: p.Asp6073=; no amino-acid change (aspartic acid 6073 retained).
Molecular consequence: synonymous variant.
Genome position (GRCh38, 1-based): chr6:56,517,531, G>A on the plus strand (C>T on the coding strand, the complement: DST is on the minus strand). VCF-style: chr6-56517531-G-A. GRCh37 (hg19) VCF-style: chr6-56382329-G-A.
Other names: c.11862C>T, p.Asp3954= (NM_001144769.5); c.11448C>T, p.Asp3816= (NM_001144770.2); c.18219C>T, p.Asp6073= (NM_001374722.1); c.17259C>T, p.Asp5753= (NM_001374729.1); c.11001C>T, p.Asp3667= (NM_001374730.1); c.18246C>T, p.Asp6082= (NM_001374734.1); c.11328C>T, p.Asp3776= (NM_001386100.1, NM_183380.4); c.10350C>T, p.Asp3450= (NM_015548.5); and 1 more.
Identifiers: ClinVar variation 1566159 (VCV001566159.9), dbSNP rs906435037, ClinGen allele CA139181655.